The following is an entry in ClinVar:

NM_198578.4(LRRK2):c.4324G>T (p.Ala1442Ser)

Gene: LRRK2 (leucine rich repeat kinase 2; plus strand). Cytogenetic location: 12q12.
Variant type: single nucleotide variant.
Coding change: c.4324G>T on transcript NM_198578.4 (MANE Select); coding-DNA position 4324, G replaced by T.
Protein change: p.Ala1442Ser; replaces alanine 1442 with serine.
Molecular consequence: missense variant.
Genome position (GRCh38, 1-based): chr12:40,310,437, G>T. VCF-style: chr12-40310437-G-T. GRCh37 (hg19) VCF-style: chr12-40704239-G-T.
Other names: short protein forms A1442S.
Identifiers: ClinVar variation 3540745 (VCV003540745.1).

ClinVar aggregate classification (germline): Uncertain significance (1 of 4 stars; one submission).

Conditions:
Inborn genetic diseases. Identifiers: MedGen C0950123, MeSH D030342.

gnomAD v4.1: 4 of 1,612,824 alleles (0.00025%); highest among the groups gnomAD compares: Non-Finnish European, 0.00034%; no homozygotes.

Submission:

Ambry Genetics
Classification: Uncertain significance for Inborn genetic diseases. Last evaluated: 2024-10-21. Review status: criteria provided, single submitter. Criteria: Ambry Variant Classification Scheme 2023. Collection method: clinical testing. Allele origin: germline.
Comment: The p.A1442S variant (also known as c.4324G>T), located in coding exon 31 of the LRRK2 gene, results from a G to T substitution at nucleotide position 4324. The alanine at codon 1442 is replaced by serine, an amino acid with similar properties. This amino acid position is conserved. In addition, the in silico prediction for this alteration is inconclusive. Based on the available evidence, the clinical significance of this variant remains unclear.